The following is an entry in ClinVar:

NM_006087.4(TUBB4A):c.493A>G (p.Asn165Asp)

Gene: TUBB4A (tubulin beta 4A class IVa; minus strand). Cytogenetic location: 19p13.3.
Variant type: single nucleotide variant.
Coding change: c.493A>G on transcript NM_006087.4 (MANE Select); coding-DNA position 493, A replaced by G.
Protein change: p.Asn165Asp; replaces asparagine 165 with aspartic acid.
Molecular consequence: missense variant.
Genome position (GRCh38, 1-based): chr19:6,496,006, T>C on the plus strand (A>G on the coding strand, the complement: TUBB4A is on the minus strand). VCF-style: chr19-6496006-T-C. GRCh37 (hg19) VCF-style: chr19-6496017-T-C.
Other names: c.646A>G, p.Asn216Asp (NM_001289123.2); c.628A>G, p.Asn210Asp (NM_001289127.2); c.493A>G, p.Asn165Asp (NM_001289129.2); c.277A>G, p.Asn93Asp (NM_001289130.2, NM_001289131.2); short protein forms N165D, N210D, N216D, N93D.
Identifiers: ClinVar variation 1805115 (VCV001805115.2), dbSNP rs2512754593, ClinGen allele CA403592162.

ClinVar aggregate classification (germline): Likely pathogenic (1 of 4 stars; one submission).

Conditions:
Leukodystrophy, hypomyelinating, 6. Also called: LEUKODYSTROPHY, HYPOMYELINATING, WITH ATROPHY OF THE BASAL GANGLIA AND CEREBELLUM; Hypomyelination with Atrophy of Basal Ganglia and Cerebellum (H-ABC); TUBB4A-Associated Leukodystrophy. Identifiers: Orphanet 139441, MedGen C2676244, MONDO:0012905, OMIM 612438.

Submission:

Victorian Clinical Genetics Services, Murdoch Childrens Research Institute
Classification: Likely pathogenic for Leukodystrophy, hypomyelinating, 6. Last evaluated: 2023-07-16. Review status: criteria provided, single submitter. Criteria: ACMG Guidelines, 2015. Collection method: clinical testing. Allele origin: germline. Inheritance: Autosomal dominant inheritance. Affected: yes.
Comment: Based on the classification scheme VCGS_Germline_v1.3.4, this variant is classified as Likely pathogenic. Following criteria are met: 0105 - The mechanism of disease for this gene is not clearly established, however dominant negative and loss of function have been reported (PMIDs: 28973395, 33027950). (I) 0107 - This gene is associated with autosomal dominant disease. (I) 0200 - Variant is predicted to result in a missense amino acid change from asparagine to aspartic acid. (I) 0251 - This variant is heterozygous. (I) 0301 - Variant is absent from gnomAD (both v2 and v3). (SP) 0502 - Missense variant with conflicting in silico predictions and uninformative conservation. (I) 0600 - Variant is located in the annotated Tubulin/FtsZ family, GTPase domain (DECIPHER). (I) 0705 - No comparable missense variants have previous evidence for pathogenicity. (I) 0807 - This variant has no previous evidence of pathogenicity. (I) 0905 - No published segregation evidence has been identified for this variant. (I) 1007 - No published functional evidence has been identified for this variant. (I) 1102 - Strong phenotype match for this individual. (SP) Legend: (SP) - Supporting pathogenic, (I) - Information, (SB) - Supporting benign

Literature cited by the submitters: PubMed 28973395; PubMed 33027950.